The following is an entry in ClinVar:

ClinVar aggregate classification (germline): Uncertain significance. Review status: criteria provided, multiple submitters, no conflicts (2 of 4 stars). 2 submissions from 2 submitters: Uncertain significance (2). Last evaluated 2025-05-29.

Conditions:
PIEZO1-related disorder. Also called: PIEZO1-related condition; PIEZO1-Related Disorders.
Lymphatic malformation 6 (LMPHM6). Also called: GENERALIZED LYMPHATIC DYSPLASIA OF FOTIOU; Lymphedema, hereditary, III; PIEZO1-related generalized lymphatic dysplasia with non-immune hydrops fetalis. Identifiers: Orphanet 568062, MedGen C4225184, MONDO:0014797, OMIM 616843.

Allele frequency attached by ClinVar (database versions not stated): TOPMed 0.00002; gnomAD 0.00003; gnomAD exomes 0.00004.
gnomAD v4.1: 64 of 1,549,890 alleles (0.0041%); highest among the groups gnomAD compares: Non-Finnish European, 0.0052%; no homozygotes.

Submissions (2):

PreventionGenetics, part of Exact Sciences
Classification: Uncertain significance for PIEZO1-related condition. Last evaluated: 2025-05-29. Review status: criteria provided, single submitter. Criteria: ACMG Guidelines, 2015. Collection method: clinical testing. Allele origin: germline.
Comment: The PIEZO1 c.5057A>G variant is predicted to result in the amino acid substitution p.His1686Arg. To our knowledge, this variant has not been reported in the literature. This variant is reported in 0.0081% of alleles in individuals of European (Non-Finnish) descent in gnomAD. At this time, the clinical significance of this variant is uncertain due to the absence of conclusive functional and genetic evidence.

Clinical Genomics Laboratory, Washington University in St. Louis
Classification: Uncertain significance for Lymphatic malformation 6. Last evaluated: 2024-01-02. Review status: criteria provided, single submitter. Criteria: ACMG Guidelines, 2015. Collection method: clinical testing. Allele origin: germline.
Comment: The PIEZO1 c.5057A>G (p.His1686Arg) variant was identified at a heterozygous allelic fraction of 50%, a frequency which may be consistent with it being of germline origin. This variant, to our knowledge, has not been reported in the medical literature. Computational predictors suggest that the variant does not impact PIEZO1 function. This variant is only observed on 4/152,166 alleles in the general population (gnomAD v3.1.2) indicating it is not a common variant. Due to conflicting information, and based on ACMG/AMP guidelines for variant interpretation (Richards S et al., PMID: 25741868), the clinical significance of this variant is uncertain at this time.

NM_001142864.4(PIEZO1):c.5057A>G (p.His1686Arg)

Gene: PIEZO1 (piezo type mechanosensitive ion channel component 1 (Er blood group); minus strand). Cytogenetic location: 16q24.3.
Variant type: single nucleotide variant.
Coding change: c.5057A>G on transcript NM_001142864.4 (MANE Select); coding-DNA position 5057, A replaced by G.
Protein change: p.His1686Arg; replaces histidine 1686 with arginine.
Molecular consequence: missense variant.
Genome position (GRCh38, 1-based): chr16:88,721,965, T>C on the plus strand (A>G on the coding strand, the complement: PIEZO1 is on the minus strand). VCF-style: chr16-88721965-T-C. GRCh37 (hg19) VCF-style: chr16-88788373-T-C.
Other names: c.3599A>G, p.His1200Arg (NM_014745.1); c.5057A>G (NM_001142864.3); short protein forms H1200R, H1686R.
Identifiers: ClinVar variation 3237386 (VCV003237386.2), dbSNP rs368402295.
Genomic context (GRCh38, chr16:88,721,965, plus strand): 5'-CCGGCGGAGGCCGTGACCATGTGGTTGAGGATGATGATGAAGTAGCAGAGCAGCTCCGAG[T>C]GGGCGGCCACACACTGGTACACGGCCCGCAGCAGCCGCAGCGCCCGGCCCTGCCCCTCCG-3'
Protein context (NP_001136336.2, residues 1676-1696): LRAVYQCVAA[His1686Arg]SELLCYFIII